The following is an entry in ClinVar:

ClinVar aggregate classification (germline): Uncertain significance (1 of 4 stars; one submission).

Submission:

Labcorp Genetics (formerly Invitae), Labcorp
Classification: Uncertain significance. Last evaluated: 2025-05-22. Review status: criteria provided, single submitter. Criteria: Invitae Variant Classification Sherloc (09022015). Collection method: clinical testing. Allele origin: germline.
Comment: This sequence change replaces glycine, which is neutral and non-polar, with cysteine, which is neutral and slightly polar, at codon 3336 of the HSPG2 protein (p.Gly3336Cys). This variant is not present in population databases (gnomAD no frequency). This variant has not been reported in the literature in individuals affected with HSPG2-related conditions. An algorithm developed to predict the effect of missense changes on protein structure and function (PolyPhen-2) suggests that this variant is likely to be disruptive. In summary, the available evidence is currently insufficient to determine the role of this variant in disease. Therefore, it has been classified as a Variant of Uncertain Significance.

NM_005529.7(HSPG2):c.10006G>T (p.Gly3336Cys)

Gene: HSPG2 (heparan sulfate proteoglycan 2; minus strand). Cytogenetic location: 1p36.12.
Variant type: single nucleotide variant.
Coding change: c.10006G>T on transcript NM_005529.7 (MANE Select); coding-DNA position 10006, G replaced by T.
Protein change: p.Gly3336Cys; replaces glycine 3336 with cysteine.
Molecular consequence: missense variant.
Genome position (GRCh38, 1-based): chr1:21,838,969, C>A on the plus strand (G>T on the coding strand, the complement: HSPG2 is on the minus strand). VCF-style: chr1-21838969-C-A. GRCh37 (hg19) VCF-style: chr1-22165462-C-A.
Other names: c.10009G>T, p.Gly3337Cys (NM_001291860.2); short protein forms G3336C, G3337C.
Identifiers: ClinVar variation 4804978 (VCV004804978.1).